The following is an entry in ClinVar:

ClinVar aggregate classification (germline): Uncertain significance (1 of 4 stars; one submission).

Conditions:
Predisposition to invasive fungal disease due to CARD9 deficiency (IMD103). Also called: IMMUNODEFICIENCY 103, SUSCEPTIBILITY TO FUNGAL INFECTIONS; CARD9 IMMUNODEFICIENCY; Candidiasis, familial, 2, autosomal recessive. Identifiers: Orphanet 457088, MedGen C1859353, MONDO:0008905, OMIM 212050.

Allele frequency attached by ClinVar (database versions not stated): TOPMed 0.00002.

Submission:

Labcorp Genetics (formerly Invitae), Labcorp
Classification: Uncertain significance for Predisposition to invasive fungal disease due to CARD9 deficiency. Last evaluated: 2023-03-08. Review status: criteria provided, single submitter. Criteria: Invitae Variant Classification Sherloc (09022015). Collection method: clinical testing. Allele origin: germline.
Comment: This missense change has been observed in individual(s) with fungal infections of the central nervous system (PMID: 26679537). It has also been observed to segregate with disease in related individuals. This sequence change replaces arginine, which is basic and polar, with histidine, which is basic and polar, at codon 57 of the CARD9 protein (p.Arg57His). This variant is not present in population databases (gnomAD no frequency). ClinVar contains an entry for this variant (Variation ID: 858753). Advanced modeling of protein sequence and biophysical properties (such as structural, functional, and spatial information, amino acid conservation, physicochemical variation, residue mobility, and thermodynamic stability) performed at Invitae indicates that this missense variant is expected to disrupt CARD9 protein function. Experimental studies are conflicting or provide insufficient evidence to determine the effect of this variant on CARD9 function (PMID: 26679537, 29890237, 35727133). In summary, the available evidence is currently insufficient to determine the role of this variant in disease. Therefore, it has been classified as a Variant of Uncertain Significance.

Literature cited by the submitters: PubMed 26679537; PubMed 29890237; PubMed 35727133.

NM_052813.5(CARD9):c.170G>A (p.Arg57His)

Gene: CARD9 (caspase recruitment domain family member 9; minus strand). Cytogenetic location: 9q34.3.
Variant type: single nucleotide variant.
Coding change: c.170G>A on transcript NM_052813.5 (MANE Select); coding-DNA position 170, G replaced by A.
Protein change: p.Arg57His; replaces arginine 57 with histidine.
Molecular consequence: missense variant.
Genome position (GRCh38, 1-based): chr9:136,371,909, C>T on the plus strand (G>A on the coding strand, the complement: CARD9 is on the minus strand). VCF-style: chr9-136371909-C-T. GRCh37 (hg19) VCF-style: chr9-139266361-C-T.
Other names: c.170G>A, p.Arg57His (NM_052814.4); short protein forms R57H.
Identifiers: ClinVar variation 858753 (VCV000858753.10), dbSNP rs940550122, ClinGen allele CA201615723.
Genomic context (GRCh38, chr9:136,371,909, plus strand): 5'-CTCTGTGGTTGGGTTTGGGGCCTGGGGCCCGCGGGGCAACACTGACCCACTTTCCGTTTG[C>T]GGATGACCAGGTTGGGGTCGCTGAGCACCTGCTCCTCATCATCGGGGTTCAGGACCTTGC-3'
Protein context (NP_434700.2, residues 47-67): QVLSDPNLVI[Arg57His]KRKVGVLLDI